The following is an entry in ClinVar:

NM_000142.5(FGFR3):c.2050C>T (p.Leu684Phe)

Gene: FGFR3 (fibroblast growth factor receptor 3; plus strand). Cytogenetic location: 4p16.3.
Variant type: single nucleotide variant.
Coding change: c.2050C>T on transcript NM_000142.5 (MANE Select); coding-DNA position 2050, C replaced by T.
Protein change: p.Leu684Phe; replaces leucine 684 with phenylalanine.
Molecular consequence: missense variant. On other transcripts: non-coding transcript variant (1).
Genome position (GRCh38, 1-based): chr4:1,806,565, C>T. VCF-style: chr4-1806565-C-T. GRCh37 (hg19) VCF-style: chr4-1808292-C-T.
Other names: c.2056C>T, p.Leu686Phe (NM_001163213.2); c.2053C>T, p.Leu685Phe (NM_001354809.2); c.1982C>T, p.Ala661Val (NM_001354810.2); c.1714C>T, p.Leu572Phe (NM_022965.4); short protein forms L572F, L686F, A661V, L684F, L685F.
Identifiers: ClinVar variation 2955411 (VCV002955411.3), dbSNP rs1400007218, ClinGen allele CA355983357.

ClinVar aggregate classification (germline): Uncertain significance (1 of 4 stars; one submission).

Allele frequency attached by ClinVar (database versions not stated): TOPMed 0.00001; gnomAD exomes below 0.00001.
gnomAD v4.1: 1 of 1,612,972 alleles (0.000062%); highest among the groups gnomAD compares: Admixed American, 0.0017%; no homozygotes.

Submission:

Labcorp Genetics (formerly Invitae), Labcorp
Classification: Uncertain significance. Last evaluated: 2025-09-23. Review status: criteria provided, single submitter. Criteria: Invitae Variant Classification Sherloc (09022015). Collection method: clinical testing. Allele origin: germline.
Comment: This sequence change replaces leucine, which is neutral and non-polar, with phenylalanine, which is neutral and non-polar, at codon 684 of the FGFR3 protein (p.Leu684Phe). This variant is not present in population databases (gnomAD no frequency). This variant has not been reported in the literature in individuals affected with FGFR3-related conditions. ClinVar contains an entry for this variant (Variation ID: 2955411). Invitae Evidence Modeling of protein sequence and biophysical properties (such as structural, functional, and spatial information, amino acid conservation, physicochemical variation, residue mobility, and thermodynamic stability) has been performed for this missense variant. However, the output from this modeling did not meet the statistical confidence thresholds required to predict the impact of this variant on FGFR3 protein function. In summary, the available evidence is currently insufficient to determine the role of this variant in disease. Therefore, it has been classified as a Variant of Uncertain Significance.